The following is an entry in ClinVar:

ClinVar aggregate classification (germline): Uncertain significance. Review status: criteria provided, multiple submitters, no conflicts (2 of 4 stars). 2 submissions from 2 submitters: Uncertain significance (2). Last evaluated 2025-05-24.

Conditions:
Cardiovascular phenotype. Identifiers: MedGen CN230736.
Long QT syndrome (LQTS). Identifiers: MedGen C0023976, MeSH D008133, MONDO:0002442. Disease mechanism: loss of function. Inheritance: Various modes of inheritance.

Allele frequency attached by ClinVar (database versions not stated): gnomAD 0.00001; gnomAD exomes 0.00001; TOPMed 0.00001.
gnomAD v4.1: 5 of 1,613,500 alleles (0.00031%); highest among the groups gnomAD compares: African/African-American, 0.0067%; no homozygotes.

Submissions (2):

Ambry Genetics
Classification: Uncertain significance for Cardiovascular phenotype. Last evaluated: 2025-05-24. Review status: criteria provided, single submitter. Criteria: Ambry Variant Classification Scheme 2023. Collection method: clinical testing. Allele origin: germline.
Comment: The p.K1984T variant (also known as c.5951A>C), located in coding exon 24 of the AKAP9 gene, results from an A to C substitution at nucleotide position 5951. The lysine at codon 1984 is replaced by threonine, an amino acid with similar properties. This amino acid position is not well conserved in available vertebrate species. In addition, this alteration is predicted to be tolerated by in silico analysis. Since supporting evidence is limited at this time, the clinical significance of this alteration remains unclear.

Labcorp Genetics (formerly Invitae), Labcorp
Classification: Uncertain significance for Long QT syndrome. Last evaluated: 2025-01-28. Review status: criteria provided, single submitter. Criteria: Invitae Variant Classification Sherloc (09022015). Collection method: clinical testing. Allele origin: germline.
Comment: This sequence change replaces lysine, which is basic and polar, with threonine, which is neutral and polar, at codon 1984 of the AKAP9 protein (p.Lys1984Thr). The frequency data for this variant in the population databases is considered unreliable, as metrics indicate poor data quality at this position in the gnomAD database. This variant has not been reported in the literature in individuals affected with AKAP9-related conditions. ClinVar contains an entry for this variant (Variation ID: 1750687). An algorithm developed to predict the effect of missense changes on protein structure and function (PolyPhen-2) suggests that this variant is likely to be disruptive. In summary, the available evidence is currently insufficient to determine the role of this variant in disease. Therefore, it has been classified as a Variant of Uncertain Significance.

NM_005751.5(AKAP9):c.5951A>C (p.Lys1984Thr)

Gene: AKAP9 (A-kinase anchoring protein 9; plus strand). Cytogenetic location: 7q21.2.
Variant type: single nucleotide variant.
Coding change: c.5951A>C on transcript NM_005751.5 (MANE Select); coding-DNA position 5951, A replaced by C.
Protein change: p.Lys1984Thr; replaces lysine 1984 with threonine.
Molecular consequence: missense variant.
Genome position (GRCh38, 1-based): chr7:92,062,460, A>C. VCF-style: chr7-92062460-A-C. GRCh37 (hg19) VCF-style: chr7-91691774-A-C.
Other names: c.596A>C, p.Lys199Thr (NM_001379277.1); c.5951A>C, p.Lys1984Thr (NM_147185.3); short protein forms K1984T, K199T.
Identifiers: ClinVar variation 1750687 (VCV001750687.6), dbSNP rs1353892514, ClinGen allele CA368132234.
Genomic context (GRCh38, chr7:92,062,460, plus strand): 5'-CAGAGCAACAGCAGATCCAAGAAGAAAGAGAATTACTGTCCAGACAAAAGGAAGCTATGA[A>C]AGCAGAGGCAGGCCCAGTTGAACAACGTAAGTATTTTCAGAATTTGTATGAAACAGTCCT-3'
Protein context (NP_005742.4, residues 1974-1994): ELLSRQKEAM[Lys1984Thr]AEAGPVEQQL